The following is an entry in ClinVar:

NM_001270508.2(TNFAIP3):c.772G>A (p.Val258Ile)

Genes: TNFAIP3 (TNF alpha induced protein 3; plus strand), LOC126859807 (MED14-independent group 3 enhancer GRCh37_chr6:138196296-138197495; plus strand). Cytogenetic location: 6q23.3.
Variant type: single nucleotide variant.
Coding change: c.772G>A on transcript NM_001270508.2 (MANE Select); coding-DNA position 772, G replaced by A.
Protein change: p.Val258Ile; replaces valine 258 with isoleucine.
Molecular consequence: missense variant.
Genome position (GRCh38, 1-based): chr6:137,876,133, G>A. VCF-style: chr6-137876133-G-A. GRCh37 (hg19) VCF-style: chr6-138197270-G-A.
Other names: c.772G>A (NM_006290.3); c.772G>A, p.Val258Ile (NM_001270507.2, NM_006290.4); short protein forms V258I.
Identifiers: ClinVar variation 1942280 (VCV001942280.6), dbSNP rs140951984, ClinGen allele CA4019498.
Genomic context (GRCh38, chr6:137,876,133, plus strand): 5'-TGGCCTGCCCAGGAATGCTACAGATACCCCATTGTTCTCGGCTATGACAGCCATCATTTT[G>A]TACCCTTGGTGACCCTGAAGGACAGTGGGCCTGGTGAGAAAACTGCATTAATTCACATCT-3'
Protein context (NP_001257437.1, residues 248-268): IVLGYDSHHF[Val258Ile]PLVTLKDSGP

ClinVar aggregate classification (germline): Uncertain significance. Review status: criteria provided, multiple submitters, no conflicts (2 of 4 stars). 2 submissions from 2 submitters: Uncertain significance (2). Last evaluated 2025-07-14.

Allele frequency attached by ClinVar (database versions not stated): gnomAD 0.00001; gnomAD exomes 0.00002; TOPMed 0.00002; ESP Exome Variant Server 0.00008.
gnomAD v4.1: 36 of 1,613,916 alleles (0.0022%); highest among the groups gnomAD compares: South Asian, 0.0033%; no homozygotes.

Submissions (2):

GeneDx
Classification: Uncertain significance. Last evaluated: 2025-07-14. Review status: criteria provided, single submitter. Criteria: GeneDx Variant Classification Process June 2021. Collection method: clinical testing. Allele origin: germline. Affected: yes.
Comment: In silico analysis suggests that this missense variant does not alter protein structure/function; Has not been previously published as pathogenic or benign to our knowledge; This variant is associated with the following publications: (PMID: 28189285)

Labcorp Genetics (formerly Invitae), Labcorp
Classification: Uncertain significance. Last evaluated: 2025-06-15. Review status: criteria provided, single submitter. Criteria: Invitae Variant Classification Sherloc (09022015). Collection method: clinical testing. Allele origin: germline.
Comment: This sequence change replaces valine, which is neutral and non-polar, with isoleucine, which is neutral and non-polar, at codon 258 of the TNFAIP3 protein (p.Val258Ile). This variant is present in population databases (rs140951984, gnomAD 0.006%). This variant has not been reported in the literature in individuals affected with TNFAIP3-related conditions. ClinVar contains an entry for this variant (Variation ID: 1942280). Invitae Evidence Modeling of protein sequence and biophysical properties (such as structural, functional, and spatial information, amino acid conservation, physicochemical variation, residue mobility, and thermodynamic stability) indicates that this missense variant is not expected to disrupt TNFAIP3 protein function with a negative predictive value of 80%. In summary, the available evidence is currently insufficient to determine the role of this variant in disease. Therefore, it has been classified as a Variant of Uncertain Significance.